The following is an entry in ClinVar:

ClinVar aggregate classification (germline): Likely benign (1 of 4 stars; one submission).

Conditions:
LHX4-related disorder. Also called: LHX4-related condition.

gnomAD v4.1: 8 of 1,614,102 alleles (0.0005%); highest among the groups gnomAD compares: African/African-American, 0.0013%; no homozygotes.

Submission:

PreventionGenetics, part of Exact Sciences
Classification: Likely benign for LHX4-related condition. Last evaluated: 2024-12-18. Review status: criteria provided, single submitter. Criteria: ACMG Guidelines, 2015. Collection method: clinical testing. Allele origin: germline.
Comment: This variant is classified as likely benign based on ACMG/AMP sequence variant interpretation guidelines (Richards et al. 2015 PMID: 25741868, with internal and published modifications).

NM_033343.4(LHX4):c.216T>C (p.Ala72=)

Gene: LHX4 (LIM homeobox 4; plus strand). Cytogenetic location: 1q25.2.
Variant type: single nucleotide variant.
Coding change: c.216T>C on transcript NM_033343.4 (MANE Select); coding-DNA position 216, T replaced by C.
Protein change: p.Ala72=; no amino-acid change (alanine 72 retained).
Molecular consequence: synonymous variant.
Genome position (GRCh38, 1-based): chr1:180,248,424, T>C. VCF-style: chr1-180248424-T-C. GRCh37 (hg19) VCF-style: chr1-180217559-T-C.
Identifiers: ClinVar variation 4979558 (VCV004979558.1).